The following is an entry in ClinVar:

ClinVar aggregate classification (germline): Likely benign. Review status: criteria provided, multiple submitters, no conflicts (2 of 4 stars). 2 submissions from 2 submitters: Likely benign (2). Last evaluated 2018-01-12.

Conditions:
Hyperlipoproteinemia, type I. Also called: HYPERLIPOPROTEINEMIA, TYPE IA; LPL DEFICIENCY; Lipoprotein Lipase Deficiency; Hyperlipoproteinemia type 1; Hyperchylomicro-nemia familial; Familial chylomicronemia. Identifiers: Orphanet 309015, Orphanet 444490, MedGen C0023817, MONDO:0009387, OMIM 238600. Disease mechanism: loss of function.

Allele frequency attached by ClinVar (database versions not stated): 1000 Genomes Project 0.00240; gnomAD 0.00320 and 0.00316; 1000 Genomes Project 30x 0.00203; TOPMed 0.00264.

Submissions (2):

Illumina Laboratory Services, Illumina
Classification: Likely benign for Hyperlipoproteinemia, type I. Last evaluated: 2018-01-12. Review status: criteria provided, single submitter. Criteria: ICSL Variant Classification Criteria 13 December 2019. Collection method: clinical testing. Allele origin: germline.
Comment: This variant was observed in the ICSL laboratory as part of a predisposition screen in an ostensibly healthy population. It had not been previously curated by ICSL or reported in the Human Gene Mutation Database (HGMD: prior to June 1st, 2018), and was therefore a candidate for classification through an automated scoring system. Utilizing variant allele frequency, disease prevalence and penetrance estimates, and inheritance mode, an automated score was calculated to assess if this variant is too frequent to cause the disease. Based on the score and internal cut-off values, a variant classified as likely benign is not then subjected to further curation. The score for this variant resulted in a classification of likely benign for this disease.

Breakthrough Genomics
Classification: Likely benign. Review status: criteria provided, single submitter. Criteria: ACMG Guidelines, 2015. Collection method: not provided. Allele origin: germline. Inheritance: Autosomal recessive inheritance. Affected: yes.

NM_000237.3(LPL):c.*1387T>C

Gene: LPL (lipoprotein lipase; plus strand). Cytogenetic location: 8p21.3.
Variant type: single nucleotide variant.
Coding change: c.*1387T>C on transcript NM_000237.3 (MANE Select); 1387 bases downstream of the stop codon, T replaced by C.
Molecular consequence: 3 prime UTR variant.
Genome position (GRCh38, 1-based): chr8:19,966,697, T>C. VCF-style: chr8-19966697-T-C. GRCh37 (hg19) VCF-style: chr8-19824208-T-C.
Identifiers: ClinVar variation 908759 (VCV000908759.5), dbSNP rs1803923, ClinGen allele CA173618717.
Genomic context (GRCh38, chr8:19,966,697, plus strand): 5'-CTGCATGTGTGTTGTCCTTCAGCATAATTCGGAAGGGAAAACAGTCGATCAAGGGATGTA[T>C]TGGAACATGTCGGAGTAGAAATTGTTCCTGATGTGCCAGAACTTCGACCCTTTCTCTGAG-3'